The following is an entry in ClinVar:

NM_130837.3(OPA1):c.2370A>G (p.Ile790Met)

Gene: OPA1 (OPA1 mitochondrial dynamin like GTPase; plus strand). Cytogenetic location: 3q29.
Variant type: single nucleotide variant.
Coding change: c.2370A>G on transcript NM_130837.3 (MANE Select); coding-DNA position 2370, A replaced by G.
Protein change: p.Ile790Met; replaces isoleucine 790 with methionine.
Molecular consequence: missense variant.
Genome position (GRCh38, 1-based): chr3:193,658,925, A>G. VCF-style: chr3-193658925-A-G. GRCh37 (hg19) VCF-style: chr3-193376714-A-G.
Other names: c.1836A>G, p.Ile612Met (NM_001354663.2); c.1833A>G, p.Ile611Met (NM_001354664.2); c.2205A>G, p.Ile735Met (NM_015560.3); c.2097A>G, p.Ile699Met (NM_130831.3); c.2151A>G, p.Ile717Met (NM_130832.3); c.2208A>G, p.Ile736Met (NM_130833.3); c.2259A>G, p.Ile753Met (NM_130834.3); c.2262A>G, p.Ile754Met (NM_130835.3); and 1 more; short protein forms I699M, I736M, I753M, I754M, I611M, I612M, I717M, I735M.
Identifiers: ClinVar variation 4762268 (VCV004762268.2).
Genomic context (GRCh38, chr3:193,658,925, plus strand): 5'-TTTCTCTTCTTGTTATTTTCAGAGGGTTATTCAACACAATGCTTTGGAAGACCGATCCAT[A>G]TCTGATAAACAGCAATGGGATGCAGCTATTTATTTTATGGAAGAGGCTCTGCAGGCTCGT-3'
Protein context (NP_570850.2, residues 780-800): IQHNALEDRS[Ile790Met]SDKQQWDAAI

ClinVar aggregate classification (germline): Uncertain significance. Review status: criteria provided, multiple submitters, no conflicts (2 of 4 stars). 2 submissions from 2 submitters: Uncertain significance (2). Last evaluated 2025-09-10.

gnomAD v4.1: 3 of 1,613,834 alleles (0.00019%); highest among the groups gnomAD compares: Non-Finnish European, 0.00025%; no homozygotes.

Submissions (2):

Labcorp Genetics (formerly Invitae), Labcorp
Classification: Uncertain significance. Last evaluated: 2025-09-10. Review status: criteria provided, single submitter. Criteria: Invitae Variant Classification Sherloc (09022015). Collection method: clinical testing. Allele origin: germline.
Comment: This sequence change replaces isoleucine, which is neutral and non-polar, with methionine, which is neutral and non-polar, at codon 735 of the OPA1 protein (p.Ile735Met). This variant is not present in population databases (gnomAD no frequency). This variant has not been reported in the literature in individuals affected with OPA1-related conditions. Invitae Evidence Modeling of protein sequence and biophysical properties (such as structural, functional, and spatial information, amino acid conservation, physicochemical variation, residue mobility, and thermodynamic stability) has been performed for this missense variant. However, the output from this modeling did not meet the statistical confidence thresholds required to predict the impact of this variant on OPA1 protein function. In summary, the available evidence is currently insufficient to determine the role of this variant in disease. Therefore, it has been classified as a Variant of Uncertain Significance.

Blueprint Genetics
Classification: Uncertain significance. Last evaluated: 2023-08-23. Review status: criteria provided, single submitter. Criteria: ACMG Guidelines, 2015. Collection method: clinical testing. Allele origin: germline.